The following is an entry in ClinVar:

ClinVar aggregate classification (germline): Uncertain significance (1 of 4 stars; one submission).

gnomAD v4.1: 6 of 1,612,532 alleles (0.00037%); highest among the groups gnomAD compares: African/African-American, 0.0067%; no homozygotes.

Submission:

Labcorp Genetics (formerly Invitae), Labcorp
Classification: Uncertain significance. Last evaluated: 2022-10-02. Review status: criteria provided, single submitter. Criteria: Invitae Variant Classification Sherloc (09022015). Collection method: clinical testing. Allele origin: germline.
Comment: Algorithms developed to predict the effect of missense changes on protein structure and function (SIFT, PolyPhen-2, Align-GVGD) all suggest that this variant is likely to be tolerated. In summary, the available evidence is currently insufficient to determine the role of this variant in disease. Therefore, it has been classified as a Variant of Uncertain Significance. This variant has not been reported in the literature in individuals affected with HSPG2-related conditions. This variant is present in population databases (no rsID available, gnomAD 0.008%). This sequence change replaces valine, which is neutral and non-polar, with phenylalanine, which is neutral and non-polar, at codon 2820 of the HSPG2 protein (p.Val2820Phe).

NM_005529.7(HSPG2):c.8458G>T (p.Val2820Phe)

Gene: HSPG2 (heparan sulfate proteoglycan 2; minus strand). Cytogenetic location: 1p36.12.
Variant type: single nucleotide variant.
Coding change: c.8458G>T on transcript NM_005529.7 (MANE Select); coding-DNA position 8458, G replaced by T.
Protein change: p.Val2820Phe; replaces valine 2820 with phenylalanine.
Molecular consequence: missense variant.
Genome position (GRCh38, 1-based): chr1:21,846,114, C>A on the plus strand (G>T on the coding strand, the complement: HSPG2 is on the minus strand). VCF-style: chr1-21846114-C-A. GRCh37 (hg19) VCF-style: chr1-22172607-C-A.
Other names: c.8461G>T, p.Val2821Phe (NM_001291860.2); short protein forms V2821F, V2820F.
Identifiers: ClinVar variation 1962478 (VCV001962478.5), dbSNP rs771648867, ClinGen allele CA19112308.